The following is an entry in ClinVar:

NM_004415.4(DSP):c.3203A>G (p.Glu1068Gly)

Gene: DSP (desmoplakin; plus strand). Cytogenetic location: 6p24.3.
Variant type: single nucleotide variant.
Coding change: c.3203A>G on transcript NM_004415.4 (MANE Select); coding-DNA position 3203, A replaced by G.
Protein change: p.Glu1068Gly; replaces glutamic acid 1068 with glycine.
Molecular consequence: missense variant.
Genome position (GRCh38, 1-based): chr6:7,579,393, A>G. VCF-style: chr6-7579393-A-G. GRCh37 (hg19) VCF-style: chr6-7579626-A-G.
Other names: c.3203A>G, p.Glu1068Gly (NM_001008844.3, NM_001319034.2); short protein forms E1068G.
Identifiers: ClinVar variation 3751228 (VCV003751228.2).
Genomic context (GRCh38, chr6:7,579,393, plus strand): 5'-ACTCGGAAAACTGTAATAAGAACAAATTCCTGGATCAGAACCTGCAGAAATACCAGGCAG[A>G]GTGTTCCCAGTTCAAAGCGAAGCTTGCGAGCCTGGAGGAGCTGAAGAGACAGGCTGAGCT-3'
Protein context (NP_004406.2, residues 1058-1078): LDQNLQKYQA[Glu1068Gly]CSQFKAKLAS

ClinVar aggregate classification (germline): Uncertain significance (1 of 4 stars; one submission).

Conditions:
Arrhythmogenic right ventricular dysplasia 8 (ARVD8). Also called: Arrhythmogenic Right Ventricular Dysplasia/Cardiomyopathy 8; ARRHYTHMOGENIC RIGHT VENTRICULAR DYSPLASIA, FAMILIAL, 8; ARRHYTHMOGENIC RIGHT VENTRICULAR CARDIOMYOPATHY 8. Identifiers: MedGen C1843896, MONDO:0011831, OMIM 607450.
Arrhythmogenic cardiomyopathy with wooly hair and keratoderma. Also called: PALMOPLANTAR KERATODERMA WITH LEFT VENTRICULAR CARDIOMYOPATHY AND WOOLLY HAIR; Carvajal syndrome; Dilated cardiomyopathy with woolly hair and keratoderma; Arrhythmogenic cardiomyopathy with woolly hair and keratoderma. Identifiers: Orphanet 65282, MedGen C1854063, MONDO:0011581, OMIM 605676.

Submission:

Labcorp Genetics (formerly Invitae), Labcorp
Classification: Uncertain significance for Arrhythmogenic cardiomyopathy with wooly hair and keratoderma; Arrhythmogenic right ventricular dysplasia 8. Last evaluated: 2024-03-26. Review status: criteria provided, single submitter. Criteria: Invitae Variant Classification Sherloc (09022015). Collection method: clinical testing. Allele origin: germline.
Comment: This sequence change replaces glutamic acid, which is acidic and polar, with glycine, which is neutral and non-polar, at codon 1068 of the DSP protein (p.Glu1068Gly). This variant is not present in population databases (gnomAD no frequency). This variant has not been reported in the literature in individuals affected with DSP-related conditions. An algorithm developed to predict the effect of missense changes on protein structure and function (PolyPhen-2) suggests that this variant is likely to be disruptive. In summary, the available evidence is currently insufficient to determine the role of this variant in disease. Therefore, it has been classified as a Variant of Uncertain Significance.